The following is an entry in ClinVar:

ClinVar aggregate classification (germline): Uncertain significance (1 of 4 stars; one submission).

Conditions:
Joubert syndrome. Also called: CEREBELLOPARENCHYMAL DISORDER IV; JOUBERT-BOLTSHAUSER SYNDROME; Familial aplasia of the vermis. Identifiers: Orphanet 475, MedGen C5979921, MONDO:0018772.
Orofaciodigital syndrome I (OFD1). Also called: OFDS I; Papillon-Leage and Psaume Syndrome; Oral-Facial-Digital Syndrome Type I. Identifiers: Orphanet 2750, MedGen C1510460, MONDO:0010702, OMIM 311200.

Allele frequency attached by ClinVar (database versions not stated): gnomAD 0.00001; gnomAD exomes 0.00001.
gnomAD v4.1: 10 of 1,203,121 alleles (0.00083%); highest among the groups gnomAD compares: South Asian, 0.0018%; no homozygotes.

Submission:

Labcorp Genetics (formerly Invitae), Labcorp
Classification: Uncertain significance for Orofaciodigital syndrome I; Joubert syndrome. Last evaluated: 2022-02-22. Review status: criteria provided, single submitter. Criteria: Invitae Variant Classification Sherloc (09022015). Collection method: clinical testing. Allele origin: germline.
Comment: Algorithms developed to predict the effect of missense changes on protein structure and function output the following: SIFT: "Tolerated"; PolyPhen-2: "Benign"; Align-GVGD: "Class C0". The cysteine amino acid residue is found in multiple mammalian species, which suggests that this missense change does not adversely affect protein function. This sequence change replaces tyrosine, which is neutral and polar, with cysteine, which is neutral and slightly polar, at codon 238 of the OFD1 protein (p.Tyr238Cys). This variant is not present in population databases (gnomAD no frequency). This variant has not been reported in the literature in individuals affected with OFD1-related conditions. In summary, the available evidence is currently insufficient to determine the role of this variant in disease. Therefore, it has been classified as a Variant of Uncertain Significance.

NM_003611.3(OFD1):c.713A>G (p.Tyr238Cys)

Gene: OFD1 (OFD1 centriole and centriolar satellite protein; plus strand). Cytogenetic location: Xp22.2.
Variant type: single nucleotide variant.
Coding change: c.713A>G on transcript NM_003611.3 (MANE Select); coding-DNA position 713, A replaced by G.
Protein change: p.Tyr238Cys; replaces tyrosine 238 with cysteine.
Molecular consequence: missense variant.
Genome position (GRCh38, 1-based): chrX:13,746,838, A>G. VCF-style: chrX-13746838-A-G. GRCh37 (hg19) VCF-style: chrX-13764957-A-G.
Other names: c.293A>G, p.Tyr98Cys (NM_001330210.2); c.713A>G, p.Tyr238Cys (NM_001330209.2); short protein forms Y238C, Y98C.
Identifiers: ClinVar variation 1985941 (VCV001985941.4), dbSNP rs1725773925, ClinGen allele CA412337940.